The following is an entry in ClinVar:

NM_000368.5(TSC1):c.*3830C>T

Gene: TSC1 (TSC complex subunit 1; minus strand). Cytogenetic location: 9q34.13.
Variant type: single nucleotide variant.
Coding change: c.*3830C>T on transcript NM_000368.5 (MANE Select); 3830 bases downstream of the stop codon, C replaced by T.
Molecular consequence: 3 prime UTR variant.
Genome position (GRCh38, 1-based): chr9:132,892,405, G>A on the plus strand (C>T on the coding strand, the complement: TSC1 is on the minus strand). VCF-style: chr9-132892405-G-A. GRCh37 (hg19) VCF-style: chr9-135767792-G-A.
Other names: c.*3830C>T (NM_001162426.2, NM_001162427.2, NM_001362177.2).
Identifiers: ClinVar variation 365411 (VCV000365411.36), dbSNP rs544931538, ClinGen allele CA10626655.

ClinVar aggregate classification (germline): Conflicting classifications of pathogenicity. Review status: criteria provided, conflicting classifications (1 of 4 stars). 3 submissions from 2 submitters: Uncertain significance (2); Likely benign (1). Last evaluated 2023-07-01.

Conditions:
Tuberous sclerosis 1 (TSC1). Identifiers: Orphanet 805, MedGen C1854465, MONDO:0008612, OMIM 191100.
Isolated focal cortical dysplasia type II (FCORD2). Also called: Focal cortical dysplasia type II; CORTICAL DYSPLASIA OF TAYLOR. Identifiers: Orphanet 268994, MedGen C1846385, MONDO:0011818, OMIM 607341, HP:0032051.

Allele frequency attached by ClinVar (database versions not stated): 1000 Genomes Project 0.00040; 1000 Genomes Project 30x 0.00047; TOPMed 0.00098; gnomAD 0.00115 and 0.00120; gnomAD exomes 0.00158.
gnomAD v4.1: 301 of 233,324 alleles (0.13%); highest among the groups gnomAD compares: Non-Finnish European, 0.22%; no homozygotes.

Submissions (3):

CeGaT Center for Human Genetics Tuebingen
Classification: Likely benign. Last evaluated: 2023-07-01. Review status: criteria provided, single submitter. Criteria: CeGaT Center For Human Genetics Tuebingen Variant Classification Criteria Version 2. Collection method: clinical testing. Allele origin: germline. Affected: yes. Observed: 9 variant alleles.
Comment: TSC1: BS1

Illumina Laboratory Services, Illumina
Classification: Uncertain significance for Tuberous sclerosis 1. Last evaluated: 2018-01-13. Review status: criteria provided, single submitter. Criteria: ICSL Variant Classification Criteria 13 December 2019. Collection method: clinical testing. Allele origin: germline.

Illumina Laboratory Services, Illumina
Classification: Uncertain significance for Isolated focal cortical dysplasia type II. Last evaluated: 2018-01-13. Review status: criteria provided, single submitter. Criteria: ICSL Variant Classification Criteria 13 December 2019. Collection method: clinical testing. Allele origin: germline.